The following is an entry in ClinVar:

NM_001142800.2(EYS):c.7970del (p.Asp2657fs)

Gene: EYS (EGF-like photoreceptor maintenance factor; minus strand). Cytogenetic location: 6q12.
Variant type: Deletion.
Coding change: c.7970del on transcript NM_001142800.2 (MANE Select); coding-DNA position 7970, one base deleted (A; older notation c.7970delA).
Protein change: p.Asp2657fs; shifts the reading frame from aspartic acid 2657.
Molecular consequence: frameshift variant.
Genome position (GRCh38, 1-based): chr6:63,762,562, T deleted on the plus strand (A on the coding strand, the reverse complement: EYS is on the minus strand). VCF-style (leftmost placement, unchanged base first): chr6-63762561-GT-G. GRCh37 (hg19) VCF-style: chr6-64472454-GT-G.
Other names: c.7970del (NM_001142800.1); c.7970del, p.Asp2657fs (NM_001292009.2); short protein forms D2657fs.
Identifiers: ClinVar variation 1076301 (VCV001076301.9), dbSNP rs1477098845, ClinGen allele CA568118991.

ClinVar aggregate classification (germline): Pathogenic/Likely pathogenic. Review status: criteria provided, multiple submitters, no conflicts (2 of 4 stars). 3 submissions from 3 submitters: Pathogenic (1); Likely pathogenic (2). Last evaluated 2025-11-17.

Conditions:
Retinitis pigmentosa 25 (RP25). Identifiers: Orphanet 791, MedGen C1864446, MONDO:0011272, OMIM 602772.

Allele frequency attached by ClinVar (database versions not stated): gnomAD exomes 0.00001.

Submissions (3):

Natera, Inc.
Classification: Likely pathogenic for Retinitis pigmentosa type 25. Last evaluated: 2025-11-17. Review status: criteria provided, single submitter. Criteria: Natera Variant Classification Schema (03/2026). Collection method: clinical testing. Allele origin: germline.
Comment: The c.7970del variant in EYS is a frameshift variant predicted to shift the reading frame beginning at codon 2657 and leads to a stop codon 25 codons downstream. This variant is expected to result in nonsense mediated decay, truncation, or a dysfunctional protein product. This variant is rare in the general population with a frequency below the threshold expected for the associated phenotype(s). Given the available evidence, this variant is classified as Likely Pathogenic.

Labcorp Genetics (formerly Invitae), Labcorp
Classification: Pathogenic. Last evaluated: 2023-10-17. Review status: criteria provided, single submitter. Criteria: Invitae Variant Classification Sherloc (09022015). Collection method: clinical testing. Allele origin: germline.
Comment: This sequence change creates a premature translational stop signal (p.Asp2657Alafs*25) in the EYS gene. It is expected to result in an absent or disrupted protein product. Loss-of-function variants in EYS are known to be pathogenic (PMID: 18836446, 20333770). This variant is present in population databases (no rsID available, gnomAD 0.002%). This variant has not been reported in the literature in individuals affected with EYS-related conditions. ClinVar contains an entry for this variant (Variation ID: 1076301). For these reasons, this variant has been classified as Pathogenic.

Fulgent Genetics
Classification: Likely pathogenic for Retinitis pigmentosa 25. Last evaluated: 2021-10-25. Review status: criteria provided, single submitter. Criteria: ACMG Guidelines, 2015. Collection method: clinical testing. Allele origin: unknown.

Literature cited by the submitters: PubMed 18836446 (cited by Labcorp Genetics (formerly Invitae), Labcorp); PubMed 20333770 (cited by Labcorp Genetics (formerly Invitae), Labcorp).